The following is an entry in ClinVar:

NM_145262.4(GLYCTK):c.1354G>A (p.Asp452Asn)

Gene: GLYCTK (glycerate kinase; plus strand). Cytogenetic location: 3p21.2.
Variant type: single nucleotide variant.
Coding change: c.1354G>A on transcript NM_145262.4 (MANE Select); coding-DNA position 1354, G replaced by A.
Protein change: p.Asp452Asn; replaces aspartic acid 452 with asparagine.
Molecular consequence: missense variant. On other transcripts: 3 prime UTR variant (1), non-coding transcript variant (2).
Genome position (GRCh38, 1-based): chr3:52,292,908, G>A. VCF-style: chr3-52292908-G-A. GRCh37 (hg19) VCF-style: chr3-52326924-G-A.
Other names: c.*473G>A (NM_001144951.2); short protein forms D452N.
Identifiers: ClinVar variation 2102050 (VCV002102050.4), dbSNP rs772211266, ClinGen allele CA2432309.

ClinVar aggregate classification (germline): Uncertain significance (1 of 4 stars; one submission).

Allele frequency attached by ClinVar (database versions not stated): gnomAD 0.00001; TOPMed 0.00001.
gnomAD v4.1: 14 of 1,613,954 alleles (0.00087%); highest among the groups gnomAD compares: South Asian, 0.0033%; no homozygotes.

Submission:

Labcorp Genetics (formerly Invitae), Labcorp
Classification: Uncertain significance. Last evaluated: 2023-08-04. Review status: criteria provided, single submitter. Criteria: Invitae Variant Classification Sherloc (09022015). Collection method: clinical testing. Allele origin: germline.
Comment: Advanced modeling of protein sequence and biophysical properties (such as structural, functional, and spatial information, amino acid conservation, physicochemical variation, residue mobility, and thermodynamic stability) performed at Invitae indicates that this missense variant is expected to disrupt GLYCTK protein function. In summary, the available evidence is currently insufficient to determine the role of this variant in disease. Therefore, it has been classified as a Variant of Uncertain Significance. ClinVar contains an entry for this variant (Variation ID: 2102050). This sequence change replaces aspartic acid, which is acidic and polar, with asparagine, which is neutral and polar, at codon 452 of the GLYCTK protein (p.Asp452Asn). This variant is present in population databases (rs772211266, gnomAD 0.003%). This variant has not been reported in the literature in individuals affected with GLYCTK-related conditions.